The following is an entry in ClinVar:

ClinVar aggregate classification (germline): Uncertain significance. Review status: criteria provided, multiple submitters, no conflicts (2 of 4 stars). 2 submissions from 2 submitters: Uncertain significance (2). Last evaluated 2024-11-07.

Conditions:
Polydactyly, postaxial, type a10. Identifiers: MedGen C5193129, MONDO:0032785, OMIM 618498.

Allele frequency attached by ClinVar (database versions not stated): gnomAD 0.00001; gnomAD exomes 0.00005; TOPMed 0.00002.
gnomAD v4.1: 68 of 1,551,404 alleles (0.0044%); highest among the groups gnomAD compares: Non-Finnish European, 0.0055%; no homozygotes.

Submissions (2):

Victorian Clinical Genetics Services, Murdoch Childrens Research Institute
Classification: Uncertain significance for Polydactyly, postaxial, type a10. Last evaluated: 2024-11-07. Review status: criteria provided, single submitter. Criteria: ACMG Guidelines, 2015. Collection method: clinical testing. Allele origin: germline. Affected: yes.
Comment: This variant is classified as VUS-3A. Evidence in support of pathogenic classification: Variant is present in gnomAD <0.01 for a recessive condition (v4: 68 heterozygote(s), 0 homozygote(s)); Strong phenotype match for this individual. Additional information: Variant is predicted to result in a missense amino acid change from proline to threonine; This variant is heterozygous; This gene is associated with autosomal recessive disease; Previous evidence of pathogenicity for this variant is inconclusive. This variant has been classified as a VUS by a clinical laboratory in ClinVar. - No published segregation evidence has been identified for this variant; No published functional evidence has been identified for this variant; No comparable missense variants have previous evidence for pathogenicity; Variant is located in the annotated DUF4495 domain (DECIPHER); Missense variant with a conflicting in silico prediction and uninformative conservation; Loss of function is a known mechanism of disease in this gene and is associated with polydactyly, postaxial, type A10 (MIM#618498).

Ambry Genetics
Classification: Uncertain significance. Last evaluated: 2021-09-01. Review status: criteria provided, single submitter. Criteria: Ambry Variant Classification Scheme 2023. Collection method: clinical testing. Allele origin: germline.

NM_001145678.3(KIAA0825):c.2416C>A (p.Pro806Thr)

Gene: KIAA0825 (KIAA0825; minus strand). Cytogenetic location: 5q15.
Variant type: single nucleotide variant.
Coding change: c.2416C>A on transcript NM_001145678.3 (MANE Select); coding-DNA position 2416, C replaced by A.
Protein change: p.Pro806Thr; replaces proline 806 with threonine.
Molecular consequence: missense variant. On other transcripts: non-coding transcript variant (1).
Genome position (GRCh38, 1-based): chr5:94,440,063, G>T on the plus strand (C>A on the coding strand, the complement: KIAA0825 is on the minus strand). VCF-style: chr5-94440063-G-T. GRCh37 (hg19) VCF-style: chr5-93775768-G-T.
Other names: c.2416C>A, p.Pro806Thr (NM_001385712.1, NM_001385713.1, NM_001388325.1); short protein forms P806T.
Identifiers: ClinVar variation 2398070 (VCV002398070.4), dbSNP rs777459977, ClinGen allele CA123352970.
Genomic context (GRCh38, chr5:94,440,063, plus strand): 5'-TCAGTAAAAGTCCATCATGATGCAGTAGGGTTTCCAGAAGCAAGTTCCAGTTACAACGTG[G>T]CTGGGATAAGAGCAGTTTCAACTGACCCTCGGCTTTCAGTCCTCCAGCTGATGGAGTCCT-3'
Protein context (NP_001139150.1, residues 796-816): EGQLKLLLSQ[Pro806Thr]RCNWNLLLET